The following is an entry in ClinVar:

ClinVar aggregate classification (germline): Uncertain significance. Review status: criteria provided, multiple submitters, no conflicts (2 of 4 stars). 2 submissions from 2 submitters: Uncertain significance (2). Last evaluated 2023-12-14.

Conditions:
Inborn genetic diseases. Identifiers: MedGen C0950123, MeSH D030342.
Hypermethioninemia with deficiency of S-adenosylhomocysteine hydrolase. Identifiers: Orphanet 88618, MedGen C3151058, MONDO:0013404, OMIM 613752.

Allele frequency attached by ClinVar (database versions not stated): ExAC 0.00001; gnomAD 0.00001; gnomAD exomes 0.00001 and 0.00002; TOPMed 0.00002.

Submissions (2):

Ambry Genetics
Classification: Uncertain significance for Inborn genetic diseases. Last evaluated: 2023-12-14. Review status: criteria provided, single submitter. Criteria: Ambry Variant Classification Scheme 2023. Collection method: clinical testing. Allele origin: germline.

Labcorp Genetics (formerly Invitae), Labcorp
Classification: Uncertain significance for Hypermethioninemia with deficiency of S-adenosylhomocysteine hydrolase. Last evaluated: 2023-11-10. Review status: criteria provided, single submitter. Criteria: Invitae Variant Classification Sherloc (09022015). Collection method: clinical testing. Allele origin: germline.
Comment: This sequence change replaces alanine with valine at codon 397 of the AHCY protein (p.Ala397Val). The alanine residue is moderately conserved and there is a small physicochemical difference between alanine and valine. This variant is present in population databases (rs202122223, gnomAD 0.003%). This variant has not been reported in the literature in individuals affected with AHCY-related conditions. ClinVar contains an entry for this variant (Variation ID: 1522574). Advanced modeling of protein sequence and biophysical properties (such as structural, functional, and spatial information, amino acid conservation, physicochemical variation, residue mobility, and thermodynamic stability) performed at Invitae indicates that this missense variant is not expected to disrupt AHCY protein function with a negative predictive value of 80%. In summary, the available evidence is currently insufficient to determine the role of this variant in disease. Therefore, it has been classified as a Variant of Uncertain Significance.

NM_000687.4(AHCY):c.1190C>T (p.Ala397Val)

Gene: AHCY (adenosylhomocysteinase; minus strand). Cytogenetic location: 20q11.22.
Variant type: single nucleotide variant.
Coding change: c.1190C>T on transcript NM_000687.4 (MANE Select); coding-DNA position 1190, C replaced by T.
Protein change: p.Ala397Val; replaces alanine 397 with valine.
Molecular consequence: missense variant.
Genome position (GRCh38, 1-based): chr20:34,281,143, G>A on the plus strand (C>T on the coding strand, the complement: AHCY is on the minus strand). VCF-style: chr20-34281143-G-A. GRCh37 (hg19) VCF-style: chr20-32868949-G-A.
Other names: c.1106C>T, p.Ala369Val (NM_001161766.2, NM_001322084.2, NM_001322085.2); c.1196C>T, p.Ala399Val (NM_001322086.2); c.1190C>T, p.Ala397Val (NM_001362750.2); c.1190C>T (NM_000687.2); short protein forms A369V, A399V, A397V.
Identifiers: ClinVar variation 1522574 (VCV001522574.7), dbSNP rs202122223, ClinGen allele CA9820746.